The following is an entry in ClinVar:

ClinVar aggregate classification (germline): Uncertain significance. Review status: criteria provided, multiple submitters, no conflicts (2 of 4 stars). 2 submissions from 2 submitters: Uncertain significance (2). Last evaluated 2022-03-28.

Conditions:
Charcot-Marie-Tooth disease type 2. Also called: Charcot-Marie-Tooth type 2. Identifiers: Orphanet 64746, MedGen C0270914, MONDO:0018993.

Allele frequency attached by ClinVar (database versions not stated): gnomAD exomes 0.00001; ExAC 0.00002.
gnomAD v4.1: 6 of 1,614,100 alleles (0.00037%); highest among the groups gnomAD compares: Non-Finnish European, 0.00051%; no homozygotes.

Submissions (2):

Labcorp Genetics (formerly Invitae), Labcorp
Classification: Uncertain significance for Charcot-Marie-Tooth disease type 2. Last evaluated: 2022-03-28. Review status: criteria provided, single submitter. Criteria: Invitae Variant Classification Sherloc (09022015). Collection method: clinical testing. Allele origin: germline.
Comment: This variant has not been reported in the literature in individuals affected with MFN2-related conditions. This variant is present in population databases (rs28940293, gnomAD 0.002%). This sequence change replaces leucine, which is neutral and non-polar, with arginine, which is basic and polar, at codon 76 of the MFN2 protein (p.Leu76Arg). ClinVar contains an entry for this variant (Variation ID: 546587). In summary, the available evidence is currently insufficient to determine the role of this variant in disease. Therefore, it has been classified as a Variant of Uncertain Significance. This variant disrupts the p.Leu76 amino acid residue in MFN2. Other variant(s) that disrupt this residue have been determined to be pathogenic (PMID: 10732809, 15064763, 16714318, 20335458). This suggests that this residue is clinically significant, and that variants that disrupt this residue are likely to be disease-causing. Algorithms developed to predict the effect of sequence changes on RNA splicing suggest that this variant may create or strengthen a splice site. Algorithms developed to predict the effect of missense changes on protein structure and function (SIFT, PolyPhen-2, Align-GVGD) all suggest that this variant is likely to be tolerated.

CeGaT Center for Human Genetics Tuebingen
Classification: Uncertain significance. Last evaluated: 2017-12-01. Review status: criteria provided, single submitter. Criteria: CeGaT Center For Human Genetics Tuebingen Variant Classification Criteria Version 2. Collection method: clinical testing. Allele origin: germline. Affected: yes. Observed: 1 variant allele.

Literature cited by the submitters: PubMed 10732809 (cited by Labcorp Genetics (formerly Invitae), Labcorp); PubMed 15064763 (cited by Labcorp Genetics (formerly Invitae), Labcorp); PubMed 16714318 (cited by Labcorp Genetics (formerly Invitae), Labcorp); PubMed 20335458 (cited by Labcorp Genetics (formerly Invitae), Labcorp).

NM_014874.4(MFN2):c.227T>G (p.Leu76Arg)

Gene: MFN2 (mitofusin 2; plus strand). Cytogenetic location: 1p36.22.
Variant type: single nucleotide variant.
Coding change: c.227T>G on transcript NM_014874.4 (MANE Select); coding-DNA position 227, T replaced by G.
Protein change: p.Leu76Arg; replaces leucine 76 with arginine.
Molecular consequence: missense variant.
Genome position (GRCh38, 1-based): chr1:11,992,606, T>G. VCF-style: chr1-11992606-T-G. GRCh37 (hg19) VCF-style: chr1-12052663-T-G.
Other names: c.227T>G, p.Leu76Arg (NM_001127660.2); short protein forms L76R.
Identifiers: ClinVar variation 546587 (VCV000546587.48), dbSNP rs28940293, ClinGen allele CA598778.